The following is an entry in ClinVar:

ClinVar aggregate classification (germline): Pathogenic. Review status: criteria provided, single submitter (1 of 4 stars). 3 submissions from 3 submitters: Pathogenic (1). 2 of the submissions do not count toward it. Last evaluated 2022-01-21.

Conditions:
Autosomal recessive ataxia due to ubiquinone deficiency. Also called: Coenzyme Q10 deficiency, primary, 4; SPINOCEREBELLAR ATAXIA, AUTOSOMAL RECESSIVE 9. Identifiers: Orphanet 139485, MedGen C2677589, MONDO:0012784, OMIM 612016.

Submissions (3):

Labcorp Genetics (formerly Invitae), Labcorp
Classification: Pathogenic. Last evaluated: 2022-01-21. Review status: criteria provided, single submitter. Criteria: Invitae Variant Classification Sherloc (09022015). Collection method: clinical testing. Allele origin: germline.
Comment: This variant is not present in population databases (gnomAD no frequency). For these reasons, this variant has been classified as Pathogenic. This variant disrupts the p.Gly272 amino acid residue in COQ8A. Other variant(s) that disrupt this residue have been observed in individuals with COQ8A-related conditions (PMID: 18319072, 27848944), which suggests that this may be a clinically significant amino acid residue. Experimental studies have shown that this missense change affects COQ8A function (PMID: 18319072). Advanced modeling of protein sequence and biophysical properties (such as structural, functional, and spatial information, amino acid conservation, physicochemical variation, residue mobility, and thermodynamic stability) performed at Invitae indicates that this missense variant is expected to disrupt COQ8A protein function. ClinVar contains an entry for this variant (Variation ID: 3638). This missense change has been observed in individual(s) with coenzyme Q10 deficiency (PMID: 18319072). It has also been observed to segregate with disease in related individuals. This sequence change replaces glycine, which is neutral and non-polar, with valine, which is neutral and non-polar, at codon 272 of the COQ8A protein (p.Gly272Val).

OMIM
Classification: Pathogenic for COENZYME Q10 DEFICIENCY, PRIMARY, 4. Last evaluated: 2008-03-01. Review status: no assertion criteria provided. Collection method: literature only. Allele origin: germline. Not counted in ClinVar's aggregate classification.

GeneReviews
No classification provided. Condition: Autosomal recessive ataxia due to ubiquinone deficiency. Review status: no classification provided. Collection method: literature only. Allele origin: germline. Not counted in ClinVar's aggregate classification.

Literature cited by the submitters: PubMed 18319072 (cited by Labcorp Genetics (formerly Invitae), Labcorp and OMIM); PubMed 27848944 (cited by Labcorp Genetics (formerly Invitae), Labcorp); NCBI Bookshelf NBK410087 (cited by GeneReviews).

NM_020247.5(COQ8A):c.815G>T (p.Gly272Val)

Gene: COQ8A (coenzyme Q8A; plus strand). Cytogenetic location: 1q42.13.
Variant type: single nucleotide variant.
Coding change: c.815G>T on transcript NM_020247.5 (MANE Select); coding-DNA position 815, G replaced by T.
Protein change: p.Gly272Val; replaces glycine 272 with valine.
Molecular consequence: missense variant.
Genome position (GRCh38, 1-based): chr1:226,982,111, G>T. VCF-style: chr1-226982111-G-T. GRCh37 (hg19) VCF-style: chr1-227169812-G-T.
Other names: short protein forms G272V.
Identifiers: ClinVar variation 3638 (VCV000003638.8), dbSNP rs119468006, ClinGen allele CA116401.